The following is an entry in ClinVar:

ClinVar aggregate classification (germline): Uncertain significance (1 of 4 stars; one submission).

Conditions:
Autosomal recessive limb-girdle muscular dystrophy type 2N. Also called: MUSCULAR DYSTROPHY-DYSTROGLYCANOPATHY, LIMB-GIRDLE, POMT2-RELATED; Muscular dystrophy-dystroglycanopathy (limb-girdle), type C, 2. Identifiers: Orphanet 206559, MedGen C3150418, MONDO:0013162, OMIM 613158.
Muscular dystrophy-dystroglycanopathy (congenital with brain and eye anomalies), type A2. Also called: MUSCULAR DYSTROPHY-DYSTROGLYCANOPATHY (CONGENITAL WITH BRAIN AND EYE ANOMALIES), TYPE A, 2; WALKER-WARBURG SYNDROME OR MUSCLE-EYE-BRAIN DISEASE, POMT2-RELATED. Identifiers: Orphanet 588, Orphanet 899, MedGen C3150411, MONDO:0013154, OMIM 613150.
Muscular dystrophy-dystroglycanopathy (congenital with impaired intellectual development), type B, 2. Also called: MUSCULAR DYSTROPHY, CONGENITAL, POMT2-RELATED; Muscular dystrophy-dystroglycanopathy (congenital with intellectual disability), type B2. Identifiers: MedGen C3150416, MONDO:0013160, OMIM 613156.

Allele frequency attached by ClinVar (database versions not stated): gnomAD exomes below 0.00001.

Submission:

Labcorp Genetics (formerly Invitae), Labcorp
Classification: Uncertain significance for Muscular dystrophy-dystroglycanopathy (congenital with impaired intellectual development), type B, 2; Muscular dystrophy-dystroglycanopathy (congenital with brain and eye anomalies), type A2; Autosomal recessive limb-girdle muscular dystrophy type 2N. Last evaluated: 2022-07-20. Review status: criteria provided, single submitter. Criteria: Invitae Variant Classification Sherloc (09022015). Collection method: clinical testing. Allele origin: germline.
Comment: This sequence change replaces threonine, which is neutral and polar, with serine, which is neutral and polar, at codon 87 of the POMT2 protein (p.Thr87Ser). This variant is not present in population databases (gnomAD no frequency). This variant has not been reported in the literature in individuals affected with POMT2-related conditions. Algorithms developed to predict the effect of missense changes on protein structure and function are either unavailable or do not agree on the potential impact of this missense change (SIFT: "Tolerated"; PolyPhen-2: "Probably Damaging"; Align-GVGD: "Class C0"). In summary, the available evidence is currently insufficient to determine the role of this variant in disease. Therefore, it has been classified as a Variant of Uncertain Significance.

NM_013382.7(POMT2):c.260C>G (p.Thr87Ser)

Gene: POMT2 (protein O-mannosyltransferase 2; minus strand). Cytogenetic location: 14q24.3.
Variant type: single nucleotide variant.
Coding change: c.260C>G on transcript NM_013382.7 (MANE Select); coding-DNA position 260, C replaced by G.
Protein change: p.Thr87Ser; replaces threonine 87 with serine.
Molecular consequence: missense variant.
Genome position (GRCh38, 1-based): chr14:77,312,022, G>C on the plus strand (C>G on the coding strand, the complement: POMT2 is on the minus strand). VCF-style: chr14-77312022-G-C. GRCh37 (hg19) VCF-style: chr14-77778365-G-C.
Other names: short protein forms T87S.
Identifiers: ClinVar variation 1924670 (VCV001924670.2), dbSNP rs2503333355, ClinGen allele CA390502817.